The following is an entry in ClinVar:

NM_005591.4(MRE11):c.983_985dup (p.Val328_Thr329insIle)

Gene: MRE11 (MRE11 double strand break repair nuclease; minus strand). Cytogenetic location: 11q21.
Variant type: Duplication.
Coding change: c.983_985dup on transcript NM_005591.4 (MANE Select); coding-DNA positions 983 to 985, 3 bases duplicated (TAA; older notation c.983_985dupTAA).
Protein change: p.Val328_Thr329insIle.
Molecular consequence: inframe insertion.
Genome position (GRCh38, 1-based): chr11:94,470,503-94,470,505, TTA duplicated on the plus strand (TAA on the coding strand, the reverse complement: MRE11 is on the minus strand). VCF-style (leftmost placement, unchanged base first): chr11-94470502-G-GTTA. GRCh37 (hg19) VCF-style: chr11-94203668-G-GTTA.
Other names: c.983_985dupTAA (NM_005591.3); c.983_985dup, p.Val328_Thr329insIle (NM_001330347.2, NM_005590.4).
Identifiers: ClinVar variation 483656 (VCV000483656.16), dbSNP rs1555012659, ClinGen allele CA658658084.

ClinVar aggregate classification (germline): Uncertain significance. Review status: criteria provided, multiple submitters, no conflicts (2 of 4 stars). 2 submissions from 2 submitters: Uncertain significance (2). Last evaluated 2024-08-29.

Conditions:
Ataxia-telangiectasia-like disorder (ATLD). Identifiers: MedGen C1858391, MONDO:0011457.
Hereditary cancer-predisposing syndrome. Also called: Neoplastic Syndromes, Hereditary; Tumor predisposition; Hereditary Cancer Syndrome; Hereditary neoplastic syndrome. Identifiers: Orphanet 140162, MedGen C0027672, MeSH D009386, MONDO:0015356.

Submissions (2):

Ambry Genetics
Classification: Uncertain significance for Hereditary cancer-predisposing syndrome. Last evaluated: 2024-08-29. Review status: criteria provided, single submitter. Criteria: Ambry Variant Classification Scheme 2023. Collection method: clinical testing. Allele origin: germline.
Comment: The c.983_985dupTAA variant (also known as p.V328_T329insI), located in coding exon 8 of the MRE11A gene, results results from an in-frame duplication of TAA at nucleotide positions 983 to 985. This results in the insertion of a isoleucine residue between codons 328 and 329. This amino acid region is well conserved in available vertebrate species. In addition, the in silico prediction for this alteration is inconclusive (Choi Y et al. PLoS ONE. 2012; 7(10):e46688). Based on the available evidence, the clinical significance of this variant remains unclear.

Labcorp Genetics (formerly Invitae), Labcorp
Classification: Uncertain significance for Ataxia-telangiectasia-like disorder. Last evaluated: 2019-01-21. Review status: criteria provided, single submitter. Criteria: Invitae Variant Classification Sherloc (09022015). Collection method: clinical testing. Allele origin: germline.
Comment: In summary, the available evidence is currently insufficient to determine the role of this variant in disease. Therefore, it has been classified as a Variant of Uncertain Significance. Experimental studies and prediction algorithms are not available for this variant, and the functional significance of the affected amino acid(s) is currently unknown. This variant has not been reported in the literature in individuals with MRE11-related conditions. ClinVar contains an entry for this variant (Variation ID: 483656). This variant is not present in population databases (ExAC no frequency). This variant, c.983_985dup, results in the insertion of 1 amino acid(s) to the MRE11 protein (p.Val328_Thr329insIle), but otherwise preserves the integrity of the reading frame.